The following is an entry in ClinVar:

NM_001205293.3(CACNA1E):c.4815+2T>C

Gene: CACNA1E (calcium voltage-gated channel subunit alpha1 E; plus strand). Cytogenetic location: 1q25.3.
Variant type: single nucleotide variant.
Coding change: c.4815+2T>C on transcript NM_001205293.3 (MANE Select); the canonical splice donor site of the intron after coding-DNA position 4815, T replaced by C.
Molecular consequence: splice donor variant.
Genome position (GRCh38, 1-based): chr1:181,763,533, T>C. VCF-style: chr1-181763533-T-C. GRCh37 (hg19) VCF-style: chr1-181732669-T-C.
Other names: c.4815+2T>C (NM_000721.4); c.4758+2T>C (NM_001205294.2).
Identifiers: ClinVar variation 3370614 (VCV003370614.1).
Genomic context (GRCh38, chr1:181,763,533, plus strand): 5'-TCCTGCGTCAGGGCTATACCATACGCATTTTGCTGTGGACCTTTGTGCAGTCCTTTAAGG[T>C]AAGAGGTACCAGCAAATCCTCTCTGAGGGTTGTCATATCAGACAGTACAGCCAGGCAACA-3'

ClinVar aggregate classification (germline): Uncertain significance (1 of 4 stars; one submission).

Submission:

GeneDx
Classification: Uncertain significance. Last evaluated: 2024-03-05. Review status: criteria provided, single submitter. Criteria: GeneDx Variant Classification Process June 2021. Collection method: clinical testing. Allele origin: germline. Affected: yes.
Comment: Canonical splice site variant in a gene or region of a gene for which loss of function is not a well-established mechanism of disease; Not observed at significant frequency in large population cohorts (gnomAD); Has not been previously published as pathogenic or benign to our knowledge